The following is an entry in ClinVar:

ClinVar aggregate classification (germline): Conflicting classifications of pathogenicity. Review status: criteria provided, conflicting classifications (1 of 4 stars). 7 submissions from 7 submitters: Uncertain significance (1); Benign (1); Likely benign (5). Last evaluated 2025-12-22.

Conditions:
Hereditary cancer-predisposing syndrome. Also called: Hereditary neoplastic syndrome; Neoplastic Syndromes, Hereditary; Hereditary Cancer Syndrome; Tumor predisposition. Identifiers: Orphanet 140162, MedGen C0027672, MeSH D009386, MONDO:0015356.
Tuberous sclerosis syndrome (TSC). Also called: Tuberous Sclerosis Complex; Tuberous sclerosis. Identifiers: Orphanet 805, MedGen C0041341, MONDO:0001734.
Tuberous sclerosis 2 (TSC2). Identifiers: Orphanet 805, MedGen C1860707, MONDO:0013199, OMIM 613254.

Allele frequency attached by ClinVar (database versions not stated): gnomAD 0.00001; gnomAD exomes 0.00001; TOPMed 0.00001.
gnomAD v4.1: 4 of 1,575,778 alleles (0.00025%); highest among the groups gnomAD compares: Admixed American, 0.0075%; no homozygotes.

Submissions (7):

Labcorp Genetics (formerly Invitae), Labcorp
Classification: Likely benign for Tuberous sclerosis 2. Last evaluated: 2025-12-22. Review status: criteria provided, single submitter. Criteria: Invitae Variant Classification Sherloc (09022015). Collection method: clinical testing. Allele origin: germline.

All of Us Research Program, National Institutes of Health
Classification: Likely benign for Tuberous sclerosis syndrome. Last evaluated: 2024-04-16. Review status: criteria provided, single submitter. Criteria: ACMG Guidelines, 2015. Collection method: clinical testing. Allele origin: germline. Inheritance: Autosomal dominant inheritance. Observed: 3 variant alleles, 3 heterozygotes.
Comment: This study involves interpretation of variants in research participants for the purpose of population health screening. Participant phenotype was not available at the time of variant classification. Additional details can be found in publication PMID: 35346344, PMCID: PMC8962531

Color Diagnostics, LLC DBA Color Health
Classification: Likely benign for Tuberous sclerosis syndrome. Last evaluated: 2024-04-03. Review status: criteria provided, single submitter. Criteria: ACMG Guidelines, 2015. Collection method: clinical testing. Allele origin: germline.

Blueprint Genetics
Classification: Likely benign. Last evaluated: 2022-11-09. Review status: criteria provided, single submitter. Criteria: ACMG Guidelines, 2015. Collection method: clinical testing. Allele origin: germline.

Genome-Nilou Lab
Classification: Benign for Tuberous sclerosis 2. Last evaluated: 2021-11-07. Review status: criteria provided, single submitter. Criteria: ACMG Guidelines, 2015. Collection method: clinical testing. Allele origin: germline. Affected: no.

Sema4
Classification: Uncertain significance for Hereditary cancer-predisposing syndrome. Last evaluated: 2021-10-19. Review status: criteria provided, single submitter. Criteria: Sema4 Curation Guidelines. Collection method: curation. Allele origin: germline.
Comment: The TSC2 c.3884-8C>G variant has not been reported in the literature to our knowledge. It was observed in 1/27362 chromosomes of the Latino subpopulation in the large and broad cohorts of the Genome Aggregation Database (PMID: 32461654), and has been reported in ClinVar (Variation ID 468045). In silico tools suggest the variant may not impact on normal splicing, though these predictions have not been confirmed by functional studies. The evidence is insufficient to meet ACMG/AMP criteria for classifying the variant as benign or pathogenic. Thus, the clinical significance of this variant is currently uncertain.

GeneDx
Classification: Likely benign. Last evaluated: 2021-04-22. Review status: criteria provided, single submitter. Criteria: GeneDx Variant Classification Process June 2021. Collection method: clinical testing. Allele origin: germline. Affected: yes.

NM_000548.5(TSC2):c.3884-8C>G

Gene: TSC2 (TSC complex subunit 2; plus strand). Cytogenetic location: 16p13.3.
Variant type: single nucleotide variant.
Coding change: c.3884-8C>G on transcript NM_000548.5 (MANE Select); 8 bases into the intron before coding-DNA position 3884, C replaced by G.
Molecular consequence: intron variant.
Genome position (GRCh38, 1-based): chr16:2,083,687, C>G. VCF-style: chr16-2083687-C-G. GRCh37 (hg19) VCF-style: chr16-2133688-C-G.
Other names: c.3815-8C>G (NM_001114382.3); c.3755-8C>G (NM_021055.3, NM_001370405.1); c.3686-8C>G (NM_001363528.2); c.3752-8C>G (NM_001370404.1); c.3683-8C>G (NM_001077183.3); c.3575-8C>G (NM_001318827.2); c.3152-8C>G (NM_001318831.2); c.3539-8C>G (NM_001318829.2); and 1 more.
Identifiers: ClinVar variation 468045 (VCV000468045.20), dbSNP rs397515219, ClinGen allele CA620379146.